The following is an entry in ClinVar:

NM_001080517.3(SETD5):c.3245C>G (p.Ser1082Cys)

Gene: SETD5 (SET domain containing 5; plus strand). Cytogenetic location: 3p25.3.
Variant type: single nucleotide variant.
Coding change: c.3245C>G on transcript NM_001080517.3 (MANE Select); coding-DNA position 3245, C replaced by G.
Protein change: p.Ser1082Cys; replaces serine 1082 with cysteine.
Molecular consequence: missense variant.
Genome position (GRCh38, 1-based): chr3:9,473,285, C>G. VCF-style: chr3-9473285-C-G. GRCh37 (hg19) VCF-style: chr3-9514969-C-G.
Other names: c.2951C>G, p.Ser984Cys (NM_001292043.2, NM_001349451.2); short protein forms S1082C, S984C.
Identifiers: ClinVar variation 3160681 (VCV003160681.2), dbSNP rs2045525476, ClinGen allele CA351685002.

ClinVar aggregate classification (germline): Uncertain significance. Review status: criteria provided, multiple submitters, no conflicts (2 of 4 stars). 2 submissions from 2 submitters: Uncertain significance (2). Last evaluated 2025-09-02.

Conditions:
Inborn genetic diseases. Identifiers: MedGen C0950123, MeSH D030342.

Allele frequency attached by ClinVar (database versions not stated): TOPMed below 0.00001; gnomAD 0.00001.
gnomAD v4.1: 6 of 1,613,740 alleles (0.00037%); highest among the groups gnomAD compares: Non-Finnish European, 0.00051%; no homozygotes.

Submissions (2):

Labcorp Genetics (formerly Invitae), Labcorp
Classification: Uncertain significance. Last evaluated: 2025-09-02. Review status: criteria provided, single submitter. Criteria: Invitae Variant Classification Sherloc (09022015). Collection method: clinical testing. Allele origin: germline.
Comment: This sequence change replaces serine, which is neutral and polar, with cysteine, which is neutral and slightly polar, at codon 1082 of the SETD5 protein (p.Ser1082Cys). This variant is not present in population databases (gnomAD no frequency). This variant has not been reported in the literature in individuals affected with SETD5-related conditions. ClinVar contains an entry for this variant (Variation ID: 3160681). Invitae Evidence Modeling of protein sequence and biophysical properties (such as structural, functional, and spatial information, amino acid conservation, physicochemical variation, residue mobility, and thermodynamic stability) indicates that this missense variant is not expected to disrupt SETD5 protein function with a negative predictive value of 80%. In summary, the available evidence is currently insufficient to determine the role of this variant in disease. Therefore, it has been classified as a Variant of Uncertain Significance.

Ambry Genetics
Classification: Uncertain significance for Inborn genetic diseases. Last evaluated: 2023-12-07. Review status: criteria provided, single submitter. Criteria: Ambry Variant Classification Scheme 2023. Collection method: clinical testing. Allele origin: germline.